The following is an entry in ClinVar:

ClinVar aggregate classification (germline): Uncertain significance (1 of 4 stars; one submission).

Conditions:
Deficiency of alpha-mannosidase (MANSA). Also called: Mannosidosis, alpha-, types I and II; Alpha-Mannosidosis; LYSOSOMAL ALPHA-D-MANNOSIDASE DEFICIENCY. Identifiers: Orphanet 61, MedGen C0024748, MONDO:0009561, OMIM 248500.

Allele frequency attached by ClinVar (database versions not stated): ExAC 0.00001.
gnomAD v4.1: 7 of 1,614,054 alleles (0.00043%); highest among the groups gnomAD compares: Non-Finnish European, 0.00059%; no homozygotes.

Submission:

Labcorp Genetics (formerly Invitae), Labcorp
Classification: Uncertain significance for Deficiency of alpha-mannosidase. Last evaluated: 2022-03-12. Review status: criteria provided, single submitter. Criteria: Invitae Variant Classification Sherloc (09022015). Collection method: clinical testing. Allele origin: germline.
Comment: This sequence change replaces aspartic acid, which is acidic and polar, with asparagine, which is neutral and polar, at codon 214 of the MAN2B1 protein (p.Asp214Asn). This variant is present in population databases (rs777610043, gnomAD 0.002%). This variant has not been reported in the literature in individuals affected with MAN2B1-related conditions. Algorithms developed to predict the effect of missense changes on protein structure and function are either unavailable or do not agree on the potential impact of this missense change (SIFT: "Deleterious"; PolyPhen-2: "Probably Damaging"; Align-GVGD: "Class C0"). In summary, the available evidence is currently insufficient to determine the role of this variant in disease. Therefore, it has been classified as a Variant of Uncertain Significance.

NM_000528.4(MAN2B1):c.640G>A (p.Asp214Asn)

Gene: MAN2B1 (mannosidase alpha class 2B member 1; minus strand). Cytogenetic location: 19p13.13.
Variant type: single nucleotide variant.
Coding change: c.640G>A on transcript NM_000528.4 (MANE Select); coding-DNA position 640, G replaced by A.
Protein change: p.Asp214Asn; replaces aspartic acid 214 with asparagine.
Molecular consequence: missense variant.
Genome position (GRCh38, 1-based): chr19:12,663,826, C>T on the plus strand (G>A on the coding strand, the complement: MAN2B1 is on the minus strand). VCF-style: chr19-12663826-C-T. GRCh37 (hg19) VCF-style: chr19-12774640-C-T.
Other names: c.640G>A, p.Asp214Asn (NM_001173498.2); short protein forms D214N.
Identifiers: ClinVar variation 1929714 (VCV001929714.2), dbSNP rs777610043, ClinGen allele CA9226740.